The following is an entry in ClinVar:

NM_001379081.2(FREM1):c.2795G>A (p.Arg932His)

Genes: FREM1 (FRAS1 related extracellular matrix 1; minus strand), LOC126860582 (P300/CBP strongly-dependent group 1 enhancer GRCh37_chr9:14812530-14813729; plus strand). Cytogenetic location: 9p22.3.
Variant type: single nucleotide variant.
Coding change: c.2795G>A on transcript NM_001379081.2 (MANE Select); coding-DNA position 2795, G replaced by A.
Protein change: p.Arg932His; replaces arginine 932 with histidine.
Molecular consequence: missense variant. On other transcripts: non-coding transcript variant (2).
Genome position (GRCh38, 1-based): chr9:14,812,910, C>T on the plus strand (G>A on the coding strand, the complement: FREM1 is on the minus strand). VCF-style: chr9-14812910-C-T. GRCh37 (hg19) VCF-style: chr9-14812908-C-T.
Other names: c.2795G>A, p.Arg932His (NM_144966.7); short protein forms R932H.
Identifiers: ClinVar variation 366139 (VCV000366139.13), dbSNP rs763918482, ClinGen allele CA4990811.

ClinVar aggregate classification (germline): Uncertain significance. Review status: criteria provided, multiple submitters, no conflicts (2 of 4 stars). 6 submissions from 6 submitters: Uncertain significance (6). Last evaluated 2025-08-07.

Conditions:
Inborn genetic diseases. Identifiers: MedGen C0950123, MeSH D030342.
Trigonocephaly 2 (TRIGNO2). Identifiers: Orphanet 3366, MedGen C3280974, MONDO:0013774, OMIM 614485.
BNAR syndrome. Also called: Bifid Nose With or Without Anorectal and Renal Anomalies (BNAR) Syndrome. Identifiers: Orphanet 217266, MedGen C2750433, MONDO:0012165, OMIM 608980.
Oculotrichoanal syndrome (MOTA). Also called: Manitoba Oculotrichoanal (MOTA) Syndrome; MARLES SYNDROME. Identifiers: Orphanet 2717, MedGen C1855425, MONDO:0009560, OMIM 248450.
FREM1-related disorder. Also called: FREM1-related condition; FREM1-Related Disorders.

Allele frequency attached by ClinVar (database versions not stated): ExAC 0.00003; gnomAD 0.00005 and 0.00006; gnomAD exomes 0.00005; TOPMed 0.00006.
gnomAD v4.1: 74 of 1,613,734 alleles (0.0046%); highest among the groups gnomAD compares: Non-Finnish European, 0.0058%; no homozygotes.

Submissions (6):

PreventionGenetics, part of Exact Sciences
Classification: Uncertain significance for FREM1-related condition. Last evaluated: 2025-08-07. Review status: criteria provided, single submitter. Criteria: ACMG Guidelines, 2015. Collection method: clinical testing. Allele origin: germline.
Comment: The FREM1 c.2795G>A variant is predicted to result in the amino acid substitution p.Arg932His. To our knowledge, this variant has not been reported in the literature. This variant is reported in 0.012% of alleles in individuals of African descent in gnomAD. At this time, the clinical significance of this variant is uncertain due to the absence of conclusive functional and genetic evidence.

Blueprint Genetics
Classification: Uncertain significance. Last evaluated: 2024-11-12. Review status: criteria provided, single submitter. Criteria: ACMG Guidelines, 2015. Collection method: clinical testing. Allele origin: germline.

Labcorp Genetics (formerly Invitae), Labcorp
Classification: Uncertain significance. Last evaluated: 2024-11-11. Review status: criteria provided, single submitter. Criteria: Invitae Variant Classification Sherloc (09022015). Collection method: clinical testing. Allele origin: germline.
Comment: This sequence change replaces arginine, which is basic and polar, with histidine, which is basic and polar, at codon 932 of the FREM1 protein (p.Arg932His). This variant is present in population databases (rs763918482, gnomAD 0.01%). This variant has not been reported in the literature in individuals affected with FREM1-related conditions. ClinVar contains an entry for this variant (Variation ID: 366139). Invitae Evidence Modeling of protein sequence and biophysical properties (such as structural, functional, and spatial information, amino acid conservation, physicochemical variation, residue mobility, and thermodynamic stability) indicates that this missense variant is not expected to disrupt FREM1 protein function with a negative predictive value of 80%. In summary, the available evidence is currently insufficient to determine the role of this variant in disease. Therefore, it has been classified as a Variant of Uncertain Significance.

Ambry Genetics
Classification: Uncertain significance for Inborn genetic diseases. Last evaluated: 2023-03-02. Review status: criteria provided, single submitter. Criteria: Ambry Variant Classification Scheme 2023. Collection method: clinical testing. Allele origin: germline.

Fulgent Genetics
Classification: Uncertain significance for Oculotrichoanal syndrome; BNAR syndrome; Trigonocephaly 2. Last evaluated: 2022-04-12. Review status: criteria provided, single submitter. Criteria: ACMG Guidelines, 2015. Collection method: clinical testing. Allele origin: unknown.

Illumina Laboratory Services, Illumina
Classification: Uncertain significance for Oculotrichoanal syndrome. Last evaluated: 2018-01-12. Review status: criteria provided, single submitter. Criteria: ICSL Variant Classification Criteria 13 December 2019. Collection method: clinical testing. Allele origin: germline.